The following is an entry in ClinVar:

NM_004984.4(KIF5A):c.2578A>C (p.Lys860Gln)

Gene: KIF5A (kinesin family member 5A; plus strand). Cytogenetic location: 12q13.3.
Variant type: single nucleotide variant.
Coding change: c.2578A>C on transcript NM_004984.4 (MANE Select); coding-DNA position 2578, A replaced by C.
Protein change: p.Lys860Gln; replaces lysine 860 with glutamine.
Molecular consequence: missense variant.
Genome position (GRCh38, 1-based): chr12:57,580,995, A>C. VCF-style: chr12-57580995-A-C. GRCh37 (hg19) VCF-style: chr12-57974778-A-C.
Other names: c.2311A>C, p.Lys771Gln (NM_001354705.2); short protein forms K771Q, K860Q.
Identifiers: ClinVar variation 2913812 (VCV002913812.3), dbSNP rs755458436, ClinGen allele CA6653164.

ClinVar aggregate classification (germline): Uncertain significance (1 of 4 stars; one submission).

Conditions:
Spastic paraplegia. Identifiers: MedGen C0037772, HP:0001258.

Allele frequency attached by ClinVar (database versions not stated): gnomAD exomes below 0.00001; ExAC 0.00001.

Submission:

Labcorp Genetics (formerly Invitae), Labcorp
Classification: Uncertain significance for Spastic paraplegia. Last evaluated: 2023-10-17. Review status: criteria provided, single submitter. Criteria: Invitae Variant Classification Sherloc (09022015). Collection method: clinical testing. Allele origin: germline.
Comment: This sequence change replaces lysine, which is basic and polar, with glutamine, which is neutral and polar, at codon 860 of the KIF5A protein (p.Lys860Gln). This variant is present in population databases (rs755458436, gnomAD 0.007%). This variant has not been reported in the literature in individuals affected with KIF5A-related conditions. Advanced modeling of protein sequence and biophysical properties (such as structural, functional, and spatial information, amino acid conservation, physicochemical variation, residue mobility, and thermodynamic stability) has been performed at Invitae for this missense variant, however the output from this modeling did not meet the statistical confidence thresholds required to predict the impact of this variant on KIF5A protein function. In summary, the available evidence is currently insufficient to determine the role of this variant in disease. Therefore, it has been classified as a Variant of Uncertain Significance.